The following is an entry in ClinVar:

ClinVar aggregate classification (germline): Uncertain significance (1 of 4 stars; one submission).

Allele frequency attached by ClinVar (database versions not stated): gnomAD exomes 0.00001; ExAC 0.00002.

Submission:

Labcorp Genetics (formerly Invitae), Labcorp
Classification: Uncertain significance. Last evaluated: 2022-04-25. Review status: criteria provided, single submitter. Criteria: Invitae Variant Classification Sherloc (09022015). Collection method: clinical testing. Allele origin: germline.
Comment: In summary, the available evidence is currently insufficient to determine the role of this variant in disease. Therefore, it has been classified as a Variant of Uncertain Significance. Algorithms developed to predict the effect of sequence changes on RNA splicing suggest that this variant may disrupt the consensus splice site. Algorithms developed to predict the effect of missense changes on protein structure and function are either unavailable or do not agree on the potential impact of this missense change (SIFT: "Tolerated"; PolyPhen-2: "Not Available"; Align-GVGD: "Class C0"). This variant has not been reported in the literature in individuals affected with PTPN23-related conditions. This variant is present in population databases (rs767116534, gnomAD 0.0009%). This sequence change replaces glutamic acid, which is acidic and polar, with aspartic acid, which is acidic and polar, at codon 392 of the PTPN23 protein (p.Glu392Asp).

NM_015466.4(PTPN23):c.1176G>C (p.Glu392Asp)

Gene: PTPN23 (protein tyrosine phosphatase non-receptor type 23; plus strand). Cytogenetic location: 3p21.31.
Variant type: single nucleotide variant.
Coding change: c.1176G>C on transcript NM_015466.4 (MANE Select); coding-DNA position 1176, G replaced by C.
Protein change: p.Glu392Asp; replaces glutamic acid 392 with aspartic acid.
Molecular consequence: missense variant.
Genome position (GRCh38, 1-based): chr3:47,407,947, G>C. VCF-style: chr3-47407947-G-C. GRCh37 (hg19) VCF-style: chr3-47449437-G-C.
Other names: c.798G>C, p.Glu266Asp (NM_001304482.2); short protein forms E266D, E392D.
Identifiers: ClinVar variation 1946121 (VCV001946121.5), dbSNP rs767116534, ClinGen allele CA2365653.